The following is an entry in ClinVar:

NM_001103.4(ACTN2):c.2171G>A (p.Trp724Ter)

Gene: ACTN2 (actinin alpha 2; plus strand). Cytogenetic location: 1q43.
Variant type: single nucleotide variant.
Coding change: c.2171G>A on transcript NM_001103.4 (MANE Select); coding-DNA position 2171, G replaced by A.
Protein change: p.Trp724Ter; replaces tryptophan 724 with a stop codon.
Molecular consequence: nonsense.
Genome position (GRCh38, 1-based): chr1:236,757,502, G>A. VCF-style: chr1-236757502-G-A. GRCh37 (hg19) VCF-style: chr1-236920802-G-A.
Other names: c.2171G>A, p.Trp724Ter (NM_001278343.2); c.1547G>A, p.Trp516Ter (NM_001278344.2); c.1421G>A, p.Trp474Ter (NM_001412150.1); short protein forms W474*, W516*, W724*.
Identifiers: ClinVar variation 2165345 (VCV002165345.4), dbSNP rs2527653791, ClinGen allele CA345388657.

ClinVar aggregate classification (germline): Uncertain significance (1 of 4 stars; one submission).

Conditions:
Dilated cardiomyopathy 1AA (CMD1AA). Also called: Cardiomyopathy, dilated, 1AA, with or without LVNC; CARDIOMYOPATHY, FAMILIAL HYPERTROPHIC, 23, WITH OR WITHOUT LEFT VENTRICULAR NONCOMPACTION; CARDIOMYOPATHY, DILATED, 1AA, WITH OR WITHOUT LEFT VENTRICULAR NONCOMPACTION. Identifiers: Orphanet 154, MedGen C2677338, MONDO:0012808, OMIM 612158.
Primary familial hypertrophic cardiomyopathy (HCM). Identifiers: Orphanet 99739, MedGen C0949658, MeSH D024741, MONDO:0024573. Inheritance: Various modes of inheritance.

Allele frequency attached by ClinVar (database versions not stated): gnomAD exomes below 0.00001.
gnomAD v4.1: 1 of 1,614,154 alleles (0.000062%); highest among the groups gnomAD compares: Non-Finnish European, 0.000085%; no homozygotes.

Submission:

Labcorp Genetics (formerly Invitae), Labcorp
Classification: Uncertain significance for Primary familial hypertrophic cardiomyopathy; Dilated cardiomyopathy 1AA. Last evaluated: 2022-08-07. Review status: criteria provided, single submitter. Criteria: Invitae Variant Classification Sherloc (09022015). Collection method: clinical testing. Allele origin: germline.
Comment: This variant has not been reported in the literature in individuals affected with ACTN2-related conditions. This variant is not present in population databases (gnomAD no frequency). This sequence change creates a premature translational stop signal (p.Trp724*) in the ACTN2 gene. It is expected to result in an absent or disrupted protein product. However, the current clinical and genetic evidence is not sufficient to establish whether loss-of-function variants in ACTN2 cause disease. In summary, the available evidence is currently insufficient to determine the role of this variant in disease. Therefore, it has been classified as a Variant of Uncertain Significance.